The following is an entry in ClinVar:

NM_023110.3(FGFR1):c.2359A>G (p.Thr787Ala)

Gene: FGFR1 (fibroblast growth factor receptor 1; minus strand). Cytogenetic location: 8p11.23.
Variant type: single nucleotide variant.
Coding change: c.2359A>G on transcript NM_023110.3 (MANE Select); coding-DNA position 2359, A replaced by G.
Protein change: p.Thr787Ala; replaces threonine 787 with alanine.
Molecular consequence: missense variant. On other transcripts: intron variant (3).
Genome position (GRCh38, 1-based): chr8:38,413,738, T>C on the plus strand (A>G on the coding strand, the complement: FGFR1 is on the minus strand). VCF-style: chr8-38413738-T-C. GRCh37 (hg19) VCF-style: chr8-38271256-T-C.
Other names: c.2080A>G, p.Thr694Ala (NM_001354368.2); c.2347A>G, p.Thr783Ala (NM_001410922.1); c.2353A>G, p.Thr785Ala (NM_015850.4, NM_001174063.2, NM_001174065.2); c.2092A>G, p.Thr698Ala (NM_023105.3, NM_001174066.2); c.2086A>G, p.Thr696Ala (NM_023106.3); c.2019+180A>G (NM_001354370.2); c.2286+180A>G (NM_001354367.2); c.2280+180A>G (NM_001354369.2); and 3 more; short protein forms T694A, T696A, T698A, T777A, T783A, T785A, T787A, T818A.
Identifiers: ClinVar variation 2582208 (VCV002582208.2), dbSNP rs867532966, ClinGen allele CA175137725.

ClinVar aggregate classification (germline): Uncertain significance. Review status: criteria provided, multiple submitters, no conflicts (2 of 4 stars). 2 submissions from 2 submitters: Uncertain significance (2). Last evaluated 2025-06-24.

Allele frequency attached by ClinVar (database versions not stated): gnomAD exomes below 0.00001; TOPMed below 0.00001.
gnomAD v4.1: 1 of 1,613,978 alleles (0.000062%); highest among the groups gnomAD compares: South Asian, 0.0011%; no homozygotes.

Submissions (2):

ARUP Laboratories, Molecular Genetics and Genomics, ARUP Laboratories
Classification: Uncertain significance. Last evaluated: 2025-06-24. Review status: criteria provided, single submitter. Criteria: ARUP Molecular Germline Variant Investigation Process 2024. Collection method: clinical testing. Allele origin: germline.
Comment: The FGFR1 c.2359A>G; p.Thr787Ala variant (rs867532966), to our knowledge, is not reported in the medical literature but is reported in ClinVar (Variation ID: 2582208). This variant is absent from the Genome Aggregation Database (v2.1.1), indicating it is not a common polymorphism. Computational analyses are uncertain whether this variant is neutral or deleterious (REVEL: 0.437). Due to limited information, the clinical significance of this variant is uncertain at this time.

GeneDx
Classification: Uncertain significance. Last evaluated: 2023-03-31. Review status: criteria provided, single submitter. Criteria: GeneDx Variant Classification Process June 2021. Collection method: clinical testing. Allele origin: germline. Affected: yes.
Comment: Not observed at significant frequency in large population cohorts (gnomAD); In silico analysis supports that this missense variant does not alter protein structure/function; Has not been previously published as pathogenic or benign to our knowledge